The following is an entry in ClinVar:

ClinVar aggregate classification (germline): Pathogenic (1 of 4 stars; one submission).

Conditions:
Isovaleryl-CoA dehydrogenase deficiency (IVA). Also called: ISOVALERIC ACID CoA DEHYDROGENASE DEFICIENCY; Isovaleric acidemia; IVD DEFICIENCY; Classic Isovaleric Acidemia. Identifiers: Orphanet 33, MedGen C0268575, MONDO:0009475, OMIM 243500.

Submission:

Labcorp Genetics (formerly Invitae), Labcorp
Classification: Pathogenic for Isovaleryl-CoA dehydrogenase deficiency. Last evaluated: 2023-02-02. Review status: criteria provided, single submitter. Criteria: Invitae Variant Classification Sherloc (09022015). Collection method: clinical testing. Allele origin: germline.
Comment: This variant has not been reported in the literature in individuals affected with IVD-related conditions. For these reasons, this variant has been classified as Pathogenic. This variant is not present in population databases (gnomAD no frequency). This sequence change creates a premature translational stop signal (p.Val99Phefs*16) in the IVD gene. It is expected to result in an absent or disrupted protein product. Loss-of-function variants in IVD are known to be pathogenic (PMID: 16602101).

Literature cited by the submitters: PubMed 16602101.

NM_002225.5(IVD):c.285del (p.Val96fs)

Gene: IVD (isovaleryl-CoA dehydrogenase; plus strand). Cytogenetic location: 15q15.1.
Variant type: Deletion.
Coding change: c.285del on transcript NM_002225.5 (MANE Select); coding-DNA position 285, one base deleted (T; older notation c.285delT).
Protein change: p.Val96fs; shifts the reading frame from valine 96.
Molecular consequence: frameshift variant. On other transcripts: non-coding transcript variant (1).
Genome position (GRCh38, 1-based): chr15:40,407,989, T deleted. VCF-style (leftmost placement, unchanged base first): chr15-40407988-CT-C. GRCh37 (hg19) VCF-style: chr15-40700187-CT-C.
Other names: c.195del, p.Val66fs (NM_001159508.3); c.237del, p.Val80fs (NM_001354597.3); c.285del, p.Val96fs (NM_001354598.3, NM_001354601.3); c.372del, p.Val125fs (NM_001354599.3, NM_001354600.3); short protein forms V66fs, V80fs, V125fs, V96fs.
Identifiers: ClinVar variation 2818641 (VCV002818641.3), dbSNP rs2542650079, ClinGen allele CA2739277980.